The following is an entry in ClinVar:

NM_130384.3(ATRIP):c.2215A>T (p.Met739Leu)

Genes: ATRIP (ATR interacting protein; plus strand), ATRIP-TREX1 (ATRIP-TREX1 readthrough; plus strand). Cytogenetic location: 3p21.31.
Variant type: single nucleotide variant.
Coding change: c.2215A>T on transcript NM_130384.3 (MANE Select); coding-DNA position 2215, A replaced by T.
Protein change: p.Met739Leu; replaces methionine 739 with leucine.
Molecular consequence: missense variant. On other transcripts: non-coding transcript variant (1).
Genome position (GRCh38, 1-based): chr3:48,464,990, A>T. VCF-style: chr3-48464990-A-T. GRCh37 (hg19) VCF-style: chr3-48506389-A-T.
Other names: c.1834A>T, p.Met612Leu (NM_001271022.2); c.1936A>T, p.Met646Leu (NM_001271023.2); c.2134A>T, p.Met712Leu (NM_032166.4); c.2215A>T (NM_130384.1); short protein forms M646L, M739L, M612L, M712L.
Identifiers: ClinVar variation 731538 (VCV000731538.13), dbSNP rs142995259, ClinGen allele CA2376431.

ClinVar aggregate classification (germline): Benign/Likely benign. Review status: criteria provided, multiple submitters, no conflicts (2 of 4 stars). 5 submissions from 5 submitters: Benign (1); Likely benign (4). Last evaluated 2026-01-20.

Allele frequency attached by ClinVar (database versions not stated): 1000 Genomes Project 30x 0.00078; 1000 Genomes Project 0.00080; gnomAD exomes 0.00169 and 0.00325; ExAC 0.00173; gnomAD 0.00179 and 0.00186; TOPMed 0.00183; ESP Exome Variant Server 0.00277.
gnomAD v4.1: 4,962 of 1,614,052 alleles (0.31%); highest among the groups gnomAD compares: Non-Finnish European, 0.39%; 9 homozygotes.

Submissions (5):

Labcorp Genetics (formerly Invitae), Labcorp
Classification: Likely benign. Last evaluated: 2026-01-20. Review status: criteria provided, single submitter. Criteria: Invitae Variant Classification Sherloc (09022015). Collection method: clinical testing. Allele origin: germline.

Women's Health and Genetics/Laboratory Corporation of America, LabCorp
Classification: Likely benign. Last evaluated: 2025-09-09. Review status: criteria provided, single submitter. Criteria: LabCorp Variant Classification Summary - May 2015. Collection method: clinical testing. Allele origin: germline.
Comment: Variant summary: ATRIP c.2215A>T (p.Met739Leu) results in a conservative amino acid change in the encoded protein sequence. Algorithms developed to predict the effect of missense changes on protein structure and function all suggest that this variant is likely to be tolerated. The variant allele was found at a frequency of 0.0017 in 249056 control chromosomes, predominantly at a frequency of 0.003 within the Non-Finnish European subpopulation in the gnomAD database, including 1 homozygotes. The observed variant frequency within Non-Finnish European control individuals in the gnomAD database exceeds the estimated maximal expected allele frequency for disease-causing variants in ATRIP. To our knowledge, no occurrence of c.2215A>T in individuals affected with ATRIP-related conditions and no experimental evidence demonstrating its impact on protein function have been reported. ClinVar contains an entry for this variant (Variation ID: 731538). Based on the evidence outlined above, the variant was classified as likely benign.

Ambry Genetics
Classification: Benign. Last evaluated: 2024-10-28. Review status: criteria provided, single submitter. Criteria: Ambry Variant Classification Scheme 2023. Collection method: clinical testing. Allele origin: germline.

GeneDx
Classification: Likely benign. Last evaluated: 2018-12-04. Review status: criteria provided, single submitter. Criteria: GeneDx Variant Classification Process June 2021. Collection method: clinical testing. Allele origin: germline. Affected: yes.
Comment: See Variant Classification Assertion Criteria.

Breakthrough Genomics
Classification: Likely benign. Review status: criteria provided, single submitter. Criteria: ACMG Guidelines, 2015. Collection method: not provided. Allele origin: germline. Inheritance: Unknown mechanism. Affected: yes.